The following is an entry in ClinVar:

ClinVar aggregate classification (germline): Pathogenic/Likely pathogenic. Review status: criteria provided, multiple submitters, no conflicts (2 of 4 stars). 3 submissions from 3 submitters: Pathogenic (1); Likely pathogenic (2). Last evaluated 2025-04-24.

Conditions:
Developmental and epileptic encephalopathy, 27 (DEE27). Also called: GRIN2B-Related Neurodevelopmental Disorder; Epileptic encephalopathy, early infantile, 27. Identifiers: Orphanet 3451, MedGen C4015316, MONDO:0014505, OMIM 616139.
Intellectual developmental disorder, autosomal dominant 6, with or without seizures. Also called: GRIN2B-related developmental delay, intellectual disability and autism spectrum disorder; Intellectual disability, autosomal dominant 6. Identifiers: Orphanet 589547, MedGen C3151411, MONDO:0013509, OMIM 613970.

Submissions (3):

GeneDx
Classification: Pathogenic. Last evaluated: 2025-04-24. Review status: criteria provided, single submitter. Criteria: GeneDx Variant Classification Process June 2021. Collection method: clinical testing. Allele origin: germline. Affected: yes.
Comment: Not observed at significant frequency in large population cohorts (gnomAD); In silico analysis supports that this missense variant has a deleterious effect on protein structure/function; Has not been previously published as pathogenic or benign to our knowledge; This variant is associated with the following publications: (PMID: 27839871)

Dubai Health Genomic Medicine Center, Dubai Health
Classification: Likely pathogenic for Developmental and epileptic encephalopathy 27. Last evaluated: 2024-10-04. Review status: criteria provided, single submitter. Criteria: ACMG Guidelines, 2015. Collection method: research. Allele origin: germline. Affected: yes.
Comment: PS2,PM2,PM5

Labcorp Genetics (formerly Invitae), Labcorp
Classification: Likely pathogenic for Developmental and epileptic encephalopathy, 27; Intellectual developmental disorder, autosomal dominant 6, with or without seizures. Last evaluated: 2023-09-19. Review status: criteria provided, single submitter. Criteria: Invitae Variant Classification Sherloc (09022015). Collection method: clinical testing. Allele origin: germline.
Comment: In summary, the currently available evidence indicates that the variant is pathogenic, but additional data are needed to prove that conclusively. Therefore, this variant has been classified as Likely Pathogenic. This variant disrupts the p.Arg696 amino acid residue in GRIN2B. Other variant(s) that disrupt this residue have been determined to be pathogenic (PMID: 27839871, 28377535). This suggests that this residue is clinically significant, and that variants that disrupt this residue are likely to be disease-causing. Advanced modeling of protein sequence and biophysical properties (such as structural, functional, and spatial information, amino acid conservation, physicochemical variation, residue mobility, and thermodynamic stability) performed at Invitae indicates that this missense variant is expected to disrupt GRIN2B protein function. ClinVar contains an entry for this variant (Variation ID: 2574431). This missense change has been observed in individual(s) with clinical features of developmental and epileptic encephalopathy (Invitae). This variant is not present in population databases (gnomAD no frequency). This sequence change replaces arginine, which is basic and polar, with cysteine, which is neutral and slightly polar, at codon 696 of the GRIN2B protein (p.Arg696Cys).

Literature cited by the submitters: PubMed 27839871 (cited by Labcorp Genetics (formerly Invitae), Labcorp); PubMed 28377535 (cited by Labcorp Genetics (formerly Invitae), Labcorp).

NM_000834.5(GRIN2B):c.2086C>T (p.Arg696Cys)

Gene: GRIN2B (glutamate ionotropic receptor NMDA type subunit 2B; minus strand). Cytogenetic location: 12p13.1.
Variant type: single nucleotide variant.
Coding change: c.2086C>T on transcript NM_000834.5 (MANE Select); coding-DNA position 2086, C replaced by T.
Protein change: p.Arg696Cys; replaces arginine 696 with cysteine.
Molecular consequence: missense variant.
Genome position (GRCh38, 1-based): chr12:13,571,889, G>A on the plus strand (C>T on the coding strand, the complement: GRIN2B is on the minus strand). VCF-style: chr12-13571889-G-A. GRCh37 (hg19) VCF-style: chr12-13724823-G-A.
Other names: c.2086C>T, p.Arg696Cys (NM_001413992.1); short protein forms R696C.
Identifiers: ClinVar variation 2574431 (VCV002574431.6), dbSNP rs2497485773, ClinGen allele CA383999481.